The following is an entry in ClinVar:

ClinVar aggregate classification (germline): Pathogenic/Likely pathogenic. Review status: criteria provided, multiple submitters, no conflicts (2 of 4 stars). 10 submissions from 10 submitters: Pathogenic (7); Likely pathogenic (1). 2 of the submissions do not count toward it. Last evaluated 2025-12-18.

Conditions:
ADPRHL2 & ADPRS-related disorders.
Neurodegeneration, childhood-onset, stress-induced, with variable ataxia and seizures. Identifiers: Orphanet 694922, MedGen C4748527, MONDO:0100095, OMIM 618170.

Allele frequency attached by ClinVar (database versions not stated): TOPMed 0.00006; gnomAD exomes 0.00008 and 0.00009; gnomAD 0.00011; ExAC 0.00012.

Submissions (10):

Clinical Omics and Informatics (COIN) Unit, Neuroscience Institute, University Of Cape Town
Classification: Pathogenic for Neurodegeneration, childhood-onset, stress-induced, with variable ataxia and seizures. Last evaluated: 2025-12-18. Review status: criteria provided, single submitter. Criteria: ACMG Guidelines, 2015. Collection method: research. Allele origin: germline. Inheritance: Autosomal recessive inheritance. Affected: yes. Observed: 1 variant allele, 1 homozygote.
Comment: PM2_supporting: the highest population allele frequency in gnomAD v4.0 (0.011%; 135/1180056 alleles in European non-Finnish population). PP3 not met: REVEL score is 0.62. PP1_strong: variant segregates with 6 informative meioses across 2 families (PMID 30401461, PMID 34479984). PS3_supporting: functional studies provide supportive evidence that this variant has a damaging effect on the gene or gene product (PMID 30401461, PMID 34479984). PS4 not evaluated as literature probands already counted under PM3. PM3 met: max 1 point awarded for homozygous occurrence of variant in 3 families (PMID: 34479984, PMID 30401461). Sequencing funded by the International Centre for Genomic Medicine in Neuromuscular Diseases (ICGNMD).

3billion
Classification: Pathogenic for Neurodegeneration, childhood-onset, stress-induced, with variable ataxia and seizures. Last evaluated: 2025-10-19. Review status: criteria provided, single submitter. Criteria: ACMG Guidelines, 2015. Collection method: clinical testing. Allele origin: germline. Affected: yes.
Comment: The variant is observed at an extremely low frequency in the gnomAD v4.1.0 dataset (total allele frequency: 0.009%). Predicted Consequence/Location: Missense variant Functional studies provide moderate evidence of the variant having a damaging effect on the gene or gene product (PMID: 30401461). In silico tool predictions suggest damaging effect of the variant on gene or gene product [REVEL: 0.62 (>=0.6, sensitivity 0.68 and specificity 0.92); 3Cnet: 0.39 (> 0.75, sensitivity 0.96 and precision 0.92)]. The same nucleotide change resulting in the same amino acid change has been previously reported as pathogenic/likely pathogenic with strong evidence (ClinVar ID: VCV000599343 /PMID: 30401461 /3billion dataset). The variant has been reported to co-segregate with the disease in at least 5 similarly affected relatives/individuals in the same family or similarly affected unrelated families (PMID: 30401461). Therefore, this variant is classified as Pathogenic according to the recommendation of ACMG/AMP guideline.

Blueprint Genetics
Classification: Pathogenic for ADPRHL2 & ADPRS-related disorders. Last evaluated: 2024-09-12. Review status: criteria provided, single submitter. Criteria: ACMG Guidelines, 2015. Collection method: clinical testing. Allele origin: germline. Affected: yes. Observed: 5 variant alleles.

Genomic Research Center, Shahid Beheshti University of Medical Sciences
Classification: Pathogenic for Neurodegeneration, childhood-onset, stress-induced, with variable ataxia and seizures. Last evaluated: 2023-12-10. Review status: criteria provided, single submitter. Criteria: ACMG Guidelines, 2015. Collection method: clinical testing. Allele origin: inherited. Affected: yes. Observed: 1 variant allele.

CeGaT Center for Human Genetics Tuebingen
Classification: Pathogenic. Last evaluated: 2023-09-01. Review status: criteria provided, single submitter. Criteria: CeGaT Center For Human Genetics Tuebingen Variant Classification Criteria Version 2. Collection method: clinical testing. Allele origin: germline. Affected: yes. Observed: 3 variant alleles.
Comment: ADPRS: PP1:Strong, PM2, PM3, PP4, PS3:Supporting

Department of Pathology and Laboratory Medicine, Sinai Health System
Classification: Likely pathogenic for Neurodegeneration, childhood-onset, stress-induced, with variable ataxia and seizures. Last evaluated: 2023-01-17. Review status: criteria provided, single submitter. Criteria: ACMG Guidelines, 2015. Collection method: research. Allele origin: germline.

Institute of Human Genetics Munich, TUM University Hospital
Classification: Pathogenic for Neurodegeneration, childhood-onset, stress-induced, with variable ataxia and seizures. Last evaluated: 2019-02-14. Review status: criteria provided, single submitter. Criteria: Classification criteria August 2017. Collection method: clinical testing. Allele origin: inherited. Inheritance: Autosomal recessive inheritance. Affected: yes. Observed: 1 homozygote.

SIB Swiss Institute of Bioinformatics
Classification: Pathogenic for Neurodegeneration, childhood-onset, stress-induced, with variable ataxia and seizures. Last evaluated: 2018-12-10. Review status: criteria provided, single submitter. Criteria: ACMG Guidelines, 2015. Collection method: curation. Allele origin: unknown.
Comment: This variant is interpreted as a Pathogenic for Neurodegeneration, childhood-onset, stress-induced, with variable ataxia and seizures, autosomal recessive. The following ACMG Tag(s) were applied: PM2 => Absent from controls (or at extremely low frequency if recessive) in Exome Sequencing Project, 1000 Genomes Project, or Exome Aggregation Consortium. PP3 => Multiple lines of computational evidence support a deleterious effect on the gene or gene product. PP1-Moderate => PP1 upgraded in strength to Moderate. PS3-Very Strong => PS3 upgraded in strength to Very Strong (PMID:30401461).

ClinGen:CA764739

Solve-RD Consortium
Classification: Likely pathogenic for Neurodegeneration, childhood-onset, stress-induced, with variable ataxia and seizures. Last evaluated: 2022-06-01. Review status: no assertion criteria provided. Collection method: provider interpretation. Allele origin: inherited. Affected: yes. Not counted in ClinVar's aggregate classification.
Comment: Variant confirmed as disease-causing by referring clinical team

Variant identified during reanalysis of unsolved cases by the Solve-RD project. The Solve-RD project has received funding from the European Union’s Horizon 2020 research and innovation programme under grant agreement No 779257.

OMIM
Classification: Pathogenic for NEURODEGENERATION, CHILDHOOD-ONSET, STRESS-INDUCED, WITH VARIABLE ATAXIA AND SEIZURES. Last evaluated: 2019-01-09. Review status: no assertion criteria provided. Collection method: literature only. Allele origin: germline. Not counted in ClinVar's aggregate classification.

Literature cited by the submitters: PubMed 37712079 (cited by Clinical Omics and Informatics (COIN) Unit, Neuroscience Institute, University Of Cape Town); PubMed 30401461 (cited by 5 submitters); PubMed 34479984 (cited by Clinical Omics and Informatics (COIN) Unit, Neuroscience Institute, University Of Cape Town); PubMed 39825153 (cited by Solve-RD Consortium).

NM_017825.3(ADPRS):c.1004T>G (p.Val335Gly)

Gene: ADPRS (ADP-ribosylserine hydrolase; plus strand). Cytogenetic location: 1p34.3.
Variant type: single nucleotide variant.
Coding change: c.1004T>G on transcript NM_017825.3 (MANE Select); coding-DNA position 1004, T replaced by G.
Protein change: p.Val335Gly; replaces valine 335 with glycine.
Molecular consequence: missense variant.
Genome position (GRCh38, 1-based): chr1:36,093,298, T>G. VCF-style: chr1-36093298-T-G. GRCh37 (hg19) VCF-style: chr1-36558899-T-G.
Other names: ADPRHL2, VAL335GLY (rs201735454); short protein forms V335G.
Identifiers: ClinVar variation 599343 (VCV000599343.62), dbSNP rs201735454, ClinGen allele CA764739.